The following is an entry in ClinVar:

ClinVar aggregate classification (germline): Uncertain significance. Review status: criteria provided, multiple submitters, no conflicts (2 of 4 stars). 2 submissions from 2 submitters: Uncertain significance (2). Last evaluated 2025-12-08.

Conditions:
FBN2-related disorder. Also called: FBN2-related condition.
Congenital contractural arachnodactyly (CCA). Also called: Beals-Hecht syndrome; BEALS SYNDROME; Arthrogryposis, distal, type 9. Identifiers: Orphanet 115, MedGen C0220668, MONDO:0007363, OMIM 121050.

Allele frequency attached by ClinVar (database versions not stated): gnomAD 0.00001; TOPMed 0.00002.
gnomAD v4.1: 10 of 1,614,008 alleles (0.00062%); highest among the groups gnomAD compares: Non-Finnish European, 0.00076%; no homozygotes.

Submissions (2):

PreventionGenetics, part of Exact Sciences
Classification: Uncertain significance for FBN2-related condition. Last evaluated: 2025-12-08. Review status: criteria provided, single submitter. Criteria: ACMG Guidelines, 2015. Collection method: clinical testing. Allele origin: germline.
Comment: The FBN2 c.4444C>G variant is predicted to result in the amino acid substitution p.Pro1482Ala. To our knowledge, this variant has not been reported in the literature or in a large population database (gnomAD), indicating this variant is rare. At this time, the clinical significance of this variant is uncertain due to the absence of conclusive functional and genetic evidence.

Labcorp Genetics (formerly Invitae), Labcorp
Classification: Uncertain significance for Congenital contractural arachnodactyly. Last evaluated: 2024-10-05. Review status: criteria provided, single submitter. Criteria: Invitae Variant Classification Sherloc (09022015). Collection method: clinical testing. Allele origin: germline.
Comment: This sequence change replaces proline, which is neutral and non-polar, with alanine, which is neutral and non-polar, at codon 1482 of the FBN2 protein (p.Pro1482Ala). This variant is not present in population databases (gnomAD no frequency). This variant has not been reported in the literature in individuals affected with FBN2-related conditions. ClinVar contains an entry for this variant (Variation ID: 2164505). Invitae Evidence Modeling of protein sequence and biophysical properties (such as structural, functional, and spatial information, amino acid conservation, physicochemical variation, residue mobility, and thermodynamic stability) indicates that this missense variant is not expected to disrupt FBN2 protein function with a negative predictive value of 80%. In summary, the available evidence is currently insufficient to determine the role of this variant in disease. Therefore, it has been classified as a Variant of Uncertain Significance.

NM_001999.4(FBN2):c.4444C>G (p.Pro1482Ala)

Gene: FBN2 (fibrillin 2; minus strand). Cytogenetic location: 5q23.3.
Variant type: single nucleotide variant.
Coding change: c.4444C>G on transcript NM_001999.4 (MANE Select); coding-DNA position 4444, C replaced by G.
Protein change: p.Pro1482Ala; replaces proline 1482 with alanine.
Molecular consequence: missense variant.
Genome position (GRCh38, 1-based): chr5:128,328,723, G>C on the plus strand (C>G on the coding strand, the complement: FBN2 is on the minus strand). VCF-style: chr5-128328723-G-C. GRCh37 (hg19) VCF-style: chr5-127664415-G-C.
Other names: c.4444C>G (NM_001999.3); short protein forms P1482A.
Identifiers: ClinVar variation 2164505 (VCV002164505.5), dbSNP rs1022830212, ClinGen allele CA127004815.
Genomic context (GRCh38, chr5:128,328,723, plus strand): 5'-ACTTGAAAATGAGTTGGAATCCTGGTGACCCACCTTGGCAGGATCTGCTGTCTGAGGCTG[G>C]AGTGAAGCCCATCTCACACTCGCAGCGATATGCACCCGGGACATTAAGGCACTGTCCGTT-3'
Protein context (NP_001990.2, residues 1472-1492): YRCECEMGFT[Pro1482Ala]ASDSRSCQDI